The following is an entry in ClinVar:

NM_001287.6(CLCN7):c.971C>T (p.Thr324Ile)

Gene: CLCN7 (chloride voltage-gated channel 7; minus strand). Cytogenetic location: 16p13.3.
Variant type: single nucleotide variant.
Coding change: c.971C>T on transcript NM_001287.6 (MANE Select); coding-DNA position 971, C replaced by T.
Protein change: p.Thr324Ile; replaces threonine 324 with isoleucine.
Molecular consequence: missense variant.
Genome position (GRCh38, 1-based): chr16:1,455,741, G>A on the plus strand (C>T on the coding strand, the complement: CLCN7 is on the minus strand). VCF-style: chr16-1455741-G-A. GRCh37 (hg19) VCF-style: chr16-1505742-G-A.
Other names: c.899C>T, p.Thr300Ile (NM_001114331.3); short protein forms T300I, T324I.
Identifiers: ClinVar variation 917765 (VCV000917765.1), dbSNP rs2038825233, ClinGen allele CA394189964.

ClinVar aggregate classification (germline): Uncertain significance (1 of 4 stars; one submission).

Submission:

Women's Health and Genetics/Laboratory Corporation of America, LabCorp
Classification: Uncertain significance. Last evaluated: 2020-04-16. Review status: criteria provided, single submitter. Criteria: LabCorp Variant Classification Summary - May 2015. Collection method: clinical testing. Allele origin: germline.
Comment: Variant summary: CLCN7 c.971C>T (p.Thr324Ile) results in a non-conservative amino acid change in the encoded protein sequence. Four of five in-silico tools predict a damaging effect of the variant on protein function. The variant was absent in 250796 control chromosomes (gnomAD). The available data on variant occurrences in the general population are insufficient to allow any conclusion about variant significance. To our knowledge, no occurrence of c.971C>T in individuals affected with Hypopigmentation, Organomegaly and Delayed Myelination and Development and no experimental evidence demonstrating its impact on protein function have been reported. No clinical diagnostic laboratories have submitted clinical-significance assessments for this variant to ClinVar after 2014. Based on the evidence outlined above, the variant was classified as uncertain significance.